The following is an entry in ClinVar:

ClinVar aggregate classification (germline): Likely benign (0 of 4 stars; one submission).

Conditions:
CDX4-related disorder. Also called: CDX4-related condition.

Allele frequency attached by ClinVar (database versions not stated): ESP Exome Variant Server 0.00022; 1000 Genomes Project 0.00026; gnomAD 0.00041; 1000 Genomes Project 30x 0.00042.
gnomAD v4.1: 568 of 1,129,691 alleles (0.05%); highest among the groups gnomAD compares: Non-Finnish European, 0.065%; no homozygotes.

Submission:

PreventionGenetics, part of Exact Sciences
Classification: Likely benign for CDX4-related condition. Last evaluated: 2023-07-04. Review status: no assertion criteria provided. Collection method: clinical testing. Allele origin: germline.
Comment: This variant is classified as likely benign based on ACMG/AMP sequence variant interpretation guidelines (Richards et al. 2015 PMID: 25741868, with internal and published modifications).

NM_005193.2(CDX4):c.502+51G>C

Gene: CDX4 (caudal type homeobox 4; plus strand). Cytogenetic location: Xq13.2.
Variant type: single nucleotide variant.
Coding change: c.502+51G>C on transcript NM_005193.2 (MANE Select); 51 bases into the intron after coding-DNA position 502, G replaced by C.
Molecular consequence: intron variant.
Genome position (GRCh38, 1-based): chrX:73,447,806, G>C. VCF-style: chrX-73447806-G-C. GRCh37 (hg19) VCF-style: chrX-72667642-G-C.
Identifiers: ClinVar variation 3036313 (VCV003036313.2), dbSNP rs375490577, ClinGen allele CA10451523.